The following is an entry in ClinVar:

ClinVar aggregate classification (germline): Likely benign. Review status: criteria provided, multiple submitters, no conflicts (2 of 4 stars). 2 submissions from 2 submitters: Likely benign (2). Last evaluated 2025-09-14.

Conditions:
PKP1-related disorder. Also called: PKP1-related condition.

Allele frequency attached by ClinVar (database versions not stated): gnomAD exomes 0.00002; ExAC 0.00011; 1000 Genomes Project 0.00020; 1000 Genomes Project 30x 0.00031; gnomAD 0.00042; TOPMed 0.00047; ESP Exome Variant Server 0.00062.
gnomAD v4.1: 97 of 1,610,964 alleles (0.006%); highest among the groups gnomAD compares: African/African-American, 0.12%; no homozygotes.

Submissions (2):

PreventionGenetics, part of Exact Sciences
Classification: Likely benign for PKP1-related condition. Last evaluated: 2025-09-14. Review status: criteria provided, single submitter. Criteria: ACMG Guidelines, 2015. Collection method: clinical testing. Allele origin: germline.
Comment: This variant is classified as likely benign based on ACMG/AMP sequence variant interpretation guidelines (Richards et al. 2015 PMID: 25741868, with internal and published modifications).

Labcorp Genetics (formerly Invitae), Labcorp
Classification: Likely benign. Last evaluated: 2023-12-07. Review status: criteria provided, single submitter. Criteria: Invitae Variant Classification Sherloc (09022015). Collection method: clinical testing. Allele origin: germline.

NM_001005337.3(PKP1):c.1239G>A (p.Leu413=)

Gene: PKP1 (plakophilin 1; plus strand). Cytogenetic location: 1q32.1.
Variant type: single nucleotide variant.
Coding change: c.1239G>A on transcript NM_001005337.3 (MANE Select); coding-DNA position 1239, G replaced by A.
Protein change: p.Leu413=; no amino-acid change (leucine 413 retained).
Molecular consequence: synonymous variant.
Genome position (GRCh38, 1-based): chr1:201,320,273, G>A. VCF-style: chr1-201320273-G-A. GRCh37 (hg19) VCF-style: chr1-201289401-G-A.
Other names: c.1302G>A, p.Leu434= (NM_000299.4); c.1239G>A (NM_001005337.2).
Identifiers: ClinVar variation 2893020 (VCV002893020.4), dbSNP rs142220495, ClinGen allele CA1324387.